The following is an entry in ClinVar:

NM_001165963.4(SCN1A):c.4002+2155T>C

Genes: SCN1A (sodium voltage-gated channel alpha subunit 1; minus strand), LOC102724058 (uncharacterized LOC102724058; plus strand). Cytogenetic location: 2q24.3.
Variant type: single nucleotide variant.
Coding change: c.4002+2155T>C on transcript NM_001165963.4 (MANE Select); 2155 bases into the intron after coding-DNA position 4002, T replaced by C.
Molecular consequence: intron variant.
Genome position (GRCh38, 1-based): chr2:166,007,564, A>G on the plus strand (T>C on the coding strand, the complement: SCN1A is on the minus strand). VCF-style: chr2-166007564-A-G. GRCh37 (hg19) VCF-style: chr2-166864074-A-G.
Other names: c.3969+2155T>C (NM_001353949.2, NM_001353950.2, NM_001353951.2 and 2 more transcripts); c.3918+2155T>C (NM_001353958.2, NM_001353957.2, NM_001165964.3); c.4002+2155T>C (NM_001202435.3, NM_001353948.2); c.3966+2155T>C (NM_001353955.2, NM_001353954.2); c.3915+2155T>C (NM_001353960.2); c.1560+2155T>C (NM_001353961.2).
Identifiers: ClinVar variation 2020130 (VCV002020130.4), dbSNP rs2468473810, ClinGen allele CA2580064280.

ClinVar aggregate classification (germline): Uncertain significance (1 of 4 stars; one submission).

Conditions:
Early-infantile DEE. Also called: Early infantile epileptic encephalopathy; Ohtahara syndrome; Early infantile epileptic encephalopathy with suppression bursts. Identifiers: Orphanet 1934, MedGen C0393706, MONDO:0800491.

Submission:

Labcorp Genetics (formerly Invitae), Labcorp
Classification: Uncertain significance for Early-infantile DEE. Last evaluated: 2024-05-15. Review status: criteria provided, single submitter. Criteria: Invitae Variant Classification Sherloc (09022015). Collection method: clinical testing. Allele origin: germline.
Comment: This sequence change falls in intron 20 of the SCN1A gene. It does not directly change the encoded amino acid sequence of the SCN1A protein. However, this sequence change falls within a region encompassing a cryptic exon in the SCN1A gene, in which variants have been shown to alter splicing (PMID: 30526861, 34107977). This variant is not present in population databases (gnomAD no frequency). This variant has been observed in individual(s) with clinical features of developmental and epileptic encephalopathy (Invitae). ClinVar contains an entry for this variant (Variation ID: 2020130). Algorithms developed to predict the effect of sequence changes on RNA splicing suggest that this variant is not likely to affect RNA splicing. In summary, the available evidence is currently insufficient to determine the role of this variant in disease. Therefore, it has been classified as a Variant of Uncertain Significance.

Literature cited by the submitters: PubMed 30526861; PubMed 34107977.